The following is an entry in ClinVar:

NM_152564.5(VPS13B):c.1000T>C (p.Tyr334His)

Gene: VPS13B (vacuolar protein sorting 13 homolog B; plus strand). Cytogenetic location: 8q22.2.
Variant type: single nucleotide variant.
Coding change: c.1000T>C on transcript NM_152564.5 (MANE Select); coding-DNA position 1000, T replaced by C.
Protein change: p.Tyr334His; replaces tyrosine 334 with histidine.
Molecular consequence: missense variant. On other transcripts: non-coding transcript variant (1).
Genome position (GRCh38, 1-based): chr8:99,121,239, T>C. VCF-style: chr8-99121239-T-C. GRCh37 (hg19) VCF-style: chr8-100133467-T-C.
Other names: c.1000T>C, p.Tyr334His (NM_015243.3, NM_017890.5, NM_181661.3); c.1000T>C (NM_152564.4, NM_017890.3); short protein forms Y334H.
Identifiers: ClinVar variation 437234 (VCV000437234.16), dbSNP rs150464408, ClinGen allele CA4822530.

ClinVar aggregate classification (germline): Uncertain significance. Review status: criteria provided, multiple submitters, no conflicts (2 of 4 stars). 5 submissions from 5 submitters: Uncertain significance (3). 2 of the submissions do not count toward it. Last evaluated 2025-11-24.

Conditions:
Inborn genetic diseases. Identifiers: MedGen C0950123, MeSH D030342.
Cohen syndrome (COH1). Also called: Cutis verticis gyrata, retinitis pigmentosa, and sensorineural deafness; PEPPER SYNDROME. Identifiers: Orphanet 193, MedGen C0265223, MONDO:0008999, OMIM 216550.
VPS13B-related disorder. Also called: VPS13B-related condition.

Allele frequency attached by ClinVar (database versions not stated): TOPMed 0.00004; gnomAD exomes 0.00005 and 0.00010; gnomAD 0.00006; ESP Exome Variant Server 0.00015; ExAC 0.00017.
gnomAD v4.1: 91 of 1,614,016 alleles (0.0056%); highest among the groups gnomAD compares: Non-Finnish European, 0.0068%; no homozygotes.

Submissions (5):

Labcorp Genetics (formerly Invitae), Labcorp
Classification: Uncertain significance for Cohen syndrome. Last evaluated: 2025-11-24. Review status: criteria provided, single submitter. Criteria: Invitae Variant Classification Sherloc (09022015). Collection method: clinical testing. Allele origin: germline.
Comment: This sequence change replaces tyrosine, which is neutral and polar, with histidine, which is basic and polar, at codon 334 of the VPS13B protein (p.Tyr334His). This variant is present in population databases (rs150464408, gnomAD 0.02%), including at least one homozygous and/or hemizygous individual. This variant has not been reported in the literature in individuals affected with VPS13B-related conditions. ClinVar contains an entry for this variant (Variation ID: 437234). Invitae Evidence Modeling of protein sequence and biophysical properties (such as structural, functional, and spatial information, amino acid conservation, physicochemical variation, residue mobility, and thermodynamic stability) has been performed for this missense variant. However, the output from this modeling did not meet the statistical confidence thresholds required to predict the impact of this variant on VPS13B protein function. In summary, the available evidence is currently insufficient to determine the role of this variant in disease. Therefore, it has been classified as a Variant of Uncertain Significance.

Ambry Genetics
Classification: Uncertain significance for Inborn genetic diseases. Last evaluated: 2023-12-13. Review status: criteria provided, single submitter. Criteria: Ambry Variant Classification Scheme 2023. Collection method: clinical testing. Allele origin: germline.

Genetic Services Laboratory, University of Chicago
Classification: Uncertain significance. Last evaluated: 2016-07-21. Review status: criteria provided, single submitter. Criteria: ACMG Guidelines, 2015. Collection method: clinical testing. Allele origin: germline. Affected: no.

PreventionGenetics, part of Exact Sciences
Classification: Uncertain significance for VPS13B-related condition. Last evaluated: 2024-03-07. Review status: no assertion criteria provided. Collection method: clinical testing. Allele origin: germline. Not counted in ClinVar's aggregate classification.
Comment: The VPS13B c.1000T>C variant is predicted to result in the amino acid substitution p.Tyr334His. To our knowledge, this variant has not been reported in the literature. This variant is reported in 0.021% of alleles in individuals of European (Non-Finnish) descent in gnomAD. At this time, the clinical significance of this variant is uncertain due to the absence of conclusive functional and genetic evidence.

Natera, Inc.
Classification: Uncertain significance for Cohen syndrome. Last evaluated: 2019-11-11. Review status: no assertion criteria provided. Collection method: clinical testing. Allele origin: germline. Not counted in ClinVar's aggregate classification.